The following is an entry in ClinVar:

ClinVar aggregate classification (germline): Conflicting classifications of pathogenicity. Review status: criteria provided, conflicting classifications (1 of 4 stars). 2 submissions from 2 submitters: Uncertain significance (1); Likely benign (1). Last evaluated 2024-11-25.

Conditions:
Hereditary cancer-predisposing syndrome. Also called: Hereditary Cancer Syndrome; Hereditary neoplastic syndrome; Neoplastic Syndromes, Hereditary; Tumor predisposition. Identifiers: Orphanet 140162, MedGen C0027672, MeSH D009386, MONDO:0015356.

Submissions (2):

Ambry Genetics
Classification: Uncertain significance for Hereditary cancer-predisposing syndrome. Last evaluated: 2024-11-25. Review status: criteria provided, single submitter. Criteria: Ambry Variant Classification Scheme 2023. Collection method: clinical testing. Allele origin: germline.
Comment: The c.602-5C>G intronic variant results from a C to G substitution 5 nucleotides upstream from coding exon 2 in the HOXB13 gene. This nucleotide position is not well conserved in available vertebrate species. In silico splice site analysis predicts that this alteration will not have any significant effect on splicing. Based on the available evidence, the clinical significance of this variant remains unclear.

Labcorp Genetics (formerly Invitae), Labcorp
Classification: Likely benign. Last evaluated: 2023-05-15. Review status: criteria provided, single submitter. Criteria: Invitae Variant Classification Sherloc (09022015). Collection method: clinical testing. Allele origin: germline.

NM_006361.6(HOXB13):c.602-5C>G

Gene: HOXB13 (homeobox B13; minus strand). Cytogenetic location: 17q21.32.
Variant type: single nucleotide variant.
Coding change: c.602-5C>G on transcript NM_006361.6 (MANE Select); 5 bases into the intron before coding-DNA position 602, C replaced by G.
Molecular consequence: intron variant.
Genome position (GRCh38, 1-based): chr17:48,727,048, G>C on the plus strand (C>G on the coding strand, the complement: HOXB13 is on the minus strand). VCF-style: chr17-48727048-G-C. GRCh37 (hg19) VCF-style: chr17-46804410-G-C.
Other names: c.602-5C>G (NM_006361.5).
Identifiers: ClinVar variation 2992132 (VCV002992132.4), dbSNP rs753501228, ClinGen allele CA772657797.